The following is an entry in ClinVar:

NM_000466.3(PEX1):c.3633T>C (p.Ser1211=)

Genes: GATAD1 (GATA zinc finger domain containing 1; plus strand), PEX1 (peroxisomal biogenesis factor 1; minus strand). Cytogenetic location: 7q21.2.
Variant type: single nucleotide variant.
Coding change: c.3633T>C on transcript NM_000466.3 (MANE Select); coding-DNA position 3633, T replaced by C.
Protein change: p.Ser1211=; no amino-acid change (serine 1211 retained).
Molecular consequence: synonymous variant.
Genome position (GRCh38, 1-based): chr7:92,489,717, A>G on the plus strand (T>C on the coding strand, the complement: PEX1 is on the minus strand). VCF-style: chr7-92489717-A-G. GRCh37 (hg19) VCF-style: chr7-92119031-A-G.
Other names: c.3462T>C, p.Ser1154= (NM_001282677.2); c.3009T>C, p.Ser1003= (NM_001282678.2).
Identifiers: ClinVar variation 502029 (VCV000502029.20), dbSNP rs753334806, ClinGen allele CA4340786.
Genomic context (GRCh38, chr7:92,489,717, plus strand): 5'-GGGTGAAACAATTTTTAAGAAGTTTTAACAATTATAATGAGGGGGAAAAAGCCATACTCC[A>G]CTTTGGCTCCGGTATCTGCCTTTGATAATACTGATATCTGCCCTCAGTTGATCTCTTTGT-3'
Protein context (NP_000457.1, residues 1201-1221): SIIKGRYRSQ[Ser1211=]GEDESMNQPG

ClinVar aggregate classification (germline): Conflicting classifications of pathogenicity. Review status: criteria provided, conflicting classifications (1 of 4 stars). 4 submissions from 4 submitters: Uncertain significance (1); Likely benign (1). 2 of the submissions do not count toward it. Last evaluated 2025-02-06.

Conditions:
PEX1-related disorder. Also called: PEX1-related condition.
Zellweger spectrum disorders (ZS). Also called: Zellweger Spectrum Disorder (ZSD); Zellweger Spectrum Disorder; Zellweger Spectrum; Zellweger syndrome. Identifiers: Orphanet 912, MedGen C0043459, MONDO:0019609.

Allele frequency attached by ClinVar (database versions not stated): gnomAD 0.00001; gnomAD exomes 0.00001 and 0.00004; TOPMed 0.00001; ExAC 0.00003.
gnomAD v4.1: 20 of 1,613,102 alleles (0.0012%); highest among the groups gnomAD compares: Non-Finnish European, 0.0016%; no homozygotes.

Submissions (4):

Labcorp Genetics (formerly Invitae), Labcorp
Classification: Likely benign for Zellweger spectrum disorders. Last evaluated: 2025-02-06. Review status: criteria provided, single submitter. Criteria: Invitae Variant Classification Sherloc (09022015). Collection method: clinical testing. Allele origin: germline.

Eurofins Ntd Llc (ga)
Classification: Uncertain significance. Last evaluated: 2017-05-18. Review status: criteria provided, single submitter. Criteria: EGL Classification Definitions 2015. Collection method: clinical testing. Allele origin: germline. Observed: 1 variant allele, 1 heterozygote.

Natera, Inc.
Classification: Likely benign for Zellweger syndrome. Last evaluated: 2021-08-04. Review status: no assertion criteria provided. Collection method: clinical testing. Allele origin: germline. Not counted in ClinVar's aggregate classification.

PreventionGenetics, part of Exact Sciences
Classification: Likely benign for PEX1-related condition. Last evaluated: 2021-04-20. Review status: no assertion criteria provided. Collection method: clinical testing. Allele origin: germline. Not counted in ClinVar's aggregate classification.
Comment: This variant is classified as likely benign based on ACMG/AMP sequence variant interpretation guidelines (Richards et al. 2015 PMID: 25741868, with internal and published modifications).